The following is an entry in ClinVar:

NM_007118.4(TRIO):c.5842T>G (p.Ser1948Ala)

Gene: TRIO (trio Rho guanine nucleotide exchange factor; plus strand). Cytogenetic location: 5p15.2.
Variant type: single nucleotide variant.
Coding change: c.5842T>G on transcript NM_007118.4 (MANE Select); coding-DNA position 5842, T replaced by G.
Protein change: p.Ser1948Ala; replaces serine 1948 with alanine.
Molecular consequence: missense variant. On other transcripts: non-coding transcript variant (1).
Genome position (GRCh38, 1-based): chr5:14,471,396, T>G. VCF-style: chr5-14471396-T-G. GRCh37 (hg19) VCF-style: chr5-14471505-T-G.
Other names: short protein forms S1948A.
Identifiers: ClinVar variation 3774682 (VCV003774682.1).

ClinVar aggregate classification (germline): Uncertain significance (1 of 4 stars; one submission).

Submission:

GeneDx
Classification: Uncertain significance. Last evaluated: 2024-09-24. Review status: criteria provided, single submitter. Criteria: GeneDx Variant Classification Process June 2021. Collection method: clinical testing. Allele origin: germline. Affected: yes.
Comment: Not observed at significant frequency in large population cohorts (gnomAD); In silico analysis indicates that this missense variant does not alter protein structure/function; Has not been previously published as pathogenic or benign to our knowledge